The following is an entry in ClinVar:

NM_001267550.2(TTN):c.63233A>C (p.Lys21078Thr)

Genes: TTN (titin; minus strand), TTN-AS1 (TTN antisense RNA 1; plus strand). Cytogenetic location: 2q31.2.
Variant type: single nucleotide variant.
Coding change: c.63233A>C on transcript NM_001267550.2 (MANE Select); coding-DNA position 63233, A replaced by C.
Protein change: p.Lys21078Thr; replaces lysine 21078 with threonine.
Molecular consequence: missense variant.
Genome position (GRCh38, 1-based): chr2:178,588,174, T>G on the plus strand (A>C on the coding strand, the complement: TTN is on the minus strand). VCF-style: chr2-178588174-T-G. GRCh37 (hg19) VCF-style: chr2-179452901-T-G.
Other names: c.58310A>C, p.Lys19437Thr (NM_001256850.1); c.36038A>C, p.Lys12013Thr (NM_003319.4); c.55529A>C, p.Lys18510Thr (NM_133378.4); c.36413A>C, p.Lys12138Thr (NM_133432.3); c.36614A>C, p.Lys12205Thr (NM_133437.4); short protein forms K12013T, K12138T, K12205T, K18510T, K19437T, K21078T.
Identifiers: ClinVar variation 1339739 (VCV001339739.2), dbSNP rs879227779, ClinGen allele CA60966203.

ClinVar aggregate classification (germline): Uncertain significance. Review status: criteria provided, multiple submitters, no conflicts (2 of 4 stars). 2 submissions from 2 submitters: Uncertain significance (2). Last evaluated 2026-06-16.

Conditions:
TTN-related disorder. Also called: TTN-related disorders; TTN-related condition; TTN-related disease.

Allele frequency attached by ClinVar (database versions not stated): gnomAD 0.00011; TOPMed 0.00012; gnomAD exomes 0.00007.
gnomAD v4.1: 38 of 1,601,114 alleles (0.0024%); highest among the groups gnomAD compares: Admixed American, 0.045%; no homozygotes.

Submissions (2):

PreventionGenetics, part of Exact Sciences
Classification: Uncertain significance for TTN-related condition. Last evaluated: 2026-06-16. Review status: criteria provided, single submitter. Criteria: ACMG Guidelines, 2015. Collection method: clinical testing. Allele origin: germline.
Comment: The TTN c.63233A>C variant is predicted to result in the amino acid substitution p.Lys21078Thr. To our knowledge, this variant has not been reported in the literature. This variant is reported in 0.043% of alleles in individuals of Latino descent in gnomAD. At this time, the clinical significance of this variant is uncertain due to the absence of conclusive functional and genetic evidence.

Women's Health and Genetics/Laboratory Corporation of America, LabCorp
Classification: Uncertain significance. Last evaluated: 2022-01-22. Review status: criteria provided, single submitter. Criteria: LabCorp Variant Classification Summary - May 2015. Collection method: clinical testing. Allele origin: germline.